The following is an entry in ClinVar:

ClinVar aggregate classification (germline): Uncertain significance. Review status: criteria provided, multiple submitters, no conflicts (2 of 4 stars). 2 submissions from 2 submitters: Uncertain significance (2). Last evaluated 2025-04-13.

Conditions:
Inborn genetic diseases. Identifiers: MedGen C0950123, MeSH D030342.

Allele frequency attached by ClinVar (database versions not stated): gnomAD 0.00002; TOPMed 0.00001; ExAC 0.00001.
gnomAD v4.1: 31 of 1,553,726 alleles (0.002%); highest among the groups gnomAD compares: Admixed American, 0.0036%; no homozygotes.

Submissions (2):

Labcorp Genetics (formerly Invitae), Labcorp
Classification: Uncertain significance. Last evaluated: 2025-04-13. Review status: criteria provided, single submitter. Criteria: Invitae Variant Classification Sherloc (09022015). Collection method: clinical testing. Allele origin: germline.
Comment: This sequence change replaces asparagine, which is neutral and polar, with serine, which is neutral and polar, at codon 1137 of the DCHS1 protein (p.Asn1137Ser). This variant is present in population databases (rs746072061, gnomAD 0.007%). This variant has not been reported in the literature in individuals affected with DCHS1-related conditions. ClinVar contains an entry for this variant (Variation ID: 2224115). Invitae Evidence Modeling of protein sequence and biophysical properties (such as structural, functional, and spatial information, amino acid conservation, physicochemical variation, residue mobility, and thermodynamic stability) indicates that this missense variant is not expected to disrupt DCHS1 protein function with a negative predictive value of 80%. In summary, the available evidence is currently insufficient to determine the role of this variant in disease. Therefore, it has been classified as a Variant of Uncertain Significance.

Ambry Genetics
Classification: Uncertain significance for Inborn genetic diseases. Last evaluated: 2022-08-11. Review status: criteria provided, single submitter. Criteria: Ambry Variant Classification Scheme 2023. Collection method: clinical testing. Allele origin: germline.

NM_003737.4(DCHS1):c.3410A>G (p.Asn1137Ser)

Gene: DCHS1 (dachsous cadherin-related 1; minus strand). Cytogenetic location: 11p15.4.
Variant type: single nucleotide variant.
Coding change: c.3410A>G on transcript NM_003737.4 (MANE Select); coding-DNA position 3410, A replaced by G.
Protein change: p.Asn1137Ser; replaces asparagine 1137 with serine.
Molecular consequence: missense variant.
Genome position (GRCh38, 1-based): chr11:6,632,102, T>C on the plus strand (A>G on the coding strand, the complement: DCHS1 is on the minus strand). VCF-style: chr11-6632102-T-C. GRCh37 (hg19) VCF-style: chr11-6653333-T-C.
Other names: short protein forms N1137S.
Identifiers: ClinVar variation 2224115 (VCV002224115.5), dbSNP rs746072061, ClinGen allele CA5860550.